The following is an entry in ClinVar:

NM_001852.4(COL9A2):c.1773C>G (p.Ile591Met)

Gene: COL9A2 (collagen type IX alpha 2 chain; minus strand). Cytogenetic location: 1p34.2.
Variant type: single nucleotide variant.
Coding change: c.1773C>G on transcript NM_001852.4 (MANE Select); coding-DNA position 1773, C replaced by G.
Protein change: p.Ile591Met; replaces isoleucine 591 with methionine.
Molecular consequence: missense variant.
Genome position (GRCh38, 1-based): chr1:40,302,640, G>C on the plus strand (C>G on the coding strand, the complement: COL9A2 is on the minus strand). VCF-style: chr1-40302640-G-C. GRCh37 (hg19) VCF-style: chr1-40768312-G-C.
Other names: c.1773C>G (NM_001852.3); short protein forms I591M.
Identifiers: ClinVar variation 1007477 (VCV001007477.13), dbSNP rs374571094, ClinGen allele CA339875843.
Genomic context (GRCh38, chr1:40,302,640, plus strand): 5'-TCACTGCCTGGCCCCCATGCCCACCGCAGAGGAGCACTCACCCTTGGGCCCCGTGTTGCC[G>C]ATCTGACCCACGGCTCCCACGATGCCAGGAACGCCCCGAGGGCCAGGGTGCCCATGGGGG-3'
Protein context (NP_001843.1, residues 581-601): VPGIVGAVGQ[Ile591Met]GNTGPKGKRG

ClinVar aggregate classification (germline): Uncertain significance. Review status: criteria provided, multiple submitters, no conflicts (2 of 4 stars). 4 submissions from 4 submitters: Uncertain significance (4). Last evaluated 2025-12-10.

Conditions:
Inborn genetic diseases. Identifiers: MedGen C0950123, MeSH D030342.

Allele frequency attached by ClinVar (database versions not stated): TOPMed 0.00001.
gnomAD v4.1: 46 of 1,603,402 alleles (0.0029%); highest among the groups gnomAD compares: Non-Finnish European, 0.0037%; no homozygotes.

Submissions (4):

Labcorp Genetics (formerly Invitae), Labcorp
Classification: Uncertain significance. Last evaluated: 2025-12-10. Review status: criteria provided, single submitter. Criteria: Invitae Variant Classification Sherloc (09022015). Collection method: clinical testing. Allele origin: germline.
Comment: This sequence change replaces isoleucine, which is neutral and non-polar, with methionine, which is neutral and non-polar, at codon 591 of the COL9A2 protein (p.Ile591Met). This variant is present in population databases (no rsID available, gnomAD 0.001%). This variant has not been reported in the literature in individuals affected with COL9A2-related conditions. ClinVar contains an entry for this variant (Variation ID: 1007477). Invitae Evidence Modeling of protein sequence and biophysical properties (such as structural, functional, and spatial information, amino acid conservation, physicochemical variation, residue mobility, and thermodynamic stability) indicates that this missense variant is not expected to disrupt COL9A2 protein function with a negative predictive value of 95%. In summary, the available evidence is currently insufficient to determine the role of this variant in disease. Therefore, it has been classified as a Variant of Uncertain Significance.

Ambry Genetics
Classification: Uncertain significance for Inborn genetic diseases. Last evaluated: 2025-09-26. Review status: criteria provided, single submitter. Criteria: Ambry Variant Classification Scheme 2023. Collection method: clinical testing. Allele origin: germline.

GeneDx
Classification: Uncertain significance. Last evaluated: 2024-10-04. Review status: criteria provided, single submitter. Criteria: GeneDx Variant Classification Process June 2021. Collection method: clinical testing. Allele origin: germline. Affected: yes.
Comment: Not observed at significant frequency in large population cohorts (gnomAD); In silico analysis indicates that this missense variant does not alter protein structure/function; Has not been previously published as pathogenic or benign to our knowledge

Revvity Omics, Revvity
Classification: Uncertain significance. Last evaluated: 2024-04-02. Review status: criteria provided, single submitter. Criteria: ACMG Guidelines, 2015. Collection method: clinical testing. Allele origin: germline.